The following is an entry in ClinVar:

ClinVar aggregate classification (germline): Likely benign (1 of 4 stars; one submission).

Allele frequency attached by ClinVar (database versions not stated): gnomAD 0.00010; TOPMed 0.00010; 1000 Genomes Project 0.00080; 1000 Genomes Project 30x 0.00094.
gnomAD v4.1: 16 of 152,288 alleles (0.011%); highest among the groups gnomAD compares: South Asian, 0.14%; no homozygotes.

Submission:

CeGaT Center for Human Genetics Tuebingen
Classification: Likely benign. Last evaluated: 2026-03-01. Review status: criteria provided, single submitter. Criteria: CeGaT Center For Human Genetics Tuebingen Variant Classification Criteria Version 2. Collection method: clinical testing. Allele origin: germline. Affected: yes. Observed: 4 variant alleles.
Comment: BRAF: BS1

NM_004333.6(BRAF):c.981-1264A>G

Gene: BRAF (B-Raf proto-oncogene, serine/threonine kinase; minus strand). Cytogenetic location: 7q34.
Variant type: single nucleotide variant.
Coding change: c.981-1264A>G on transcript NM_004333.6 (MANE Select); 1264 bases into the intron before coding-DNA position 981, A replaced by G.
Molecular consequence: intron variant.
Genome position (GRCh38, 1-based): chr7:140,795,731, T>C on the plus strand (A>G on the coding strand, the complement: BRAF is on the minus strand). VCF-style: chr7-140795731-T-C. GRCh37 (hg19) VCF-style: chr7-140495531-T-C.
Other names: c.981-1264A>G (NM_001378474.1, NM_001378471.1, NM_001378468.1 and 4 more transcripts); c.879-1264A>G (NM_001378470.1); c.717-1264A>G (NM_001378475.1); c.990-1264A>G (NM_001378467.1); c.825-1264A>G (NM_001378472.1, NM_001378473.1).
Identifiers: ClinVar variation 2658074 (VCV002658074.24), dbSNP rs555474042, ClinGen allele CA168101838.